The following is an entry in ClinVar:

NM_001040142.2(SCN2A):c.3410C>A (p.Ala1137Glu)

Gene: SCN2A (sodium voltage-gated channel alpha subunit 2; plus strand). Cytogenetic location: 2q24.3.
Variant type: single nucleotide variant.
Coding change: c.3410C>A on transcript NM_001040142.2 (MANE Select); coding-DNA position 3410, C replaced by A.
Protein change: p.Ala1137Glu; replaces alanine 1137 with glutamic acid.
Molecular consequence: missense variant.
Genome position (GRCh38, 1-based): chr2:165,365,153, C>A. VCF-style: chr2-165365153-C-A. GRCh37 (hg19) VCF-style: chr2-166221663-C-A.
Other names: c.3410C>A, p.Ala1137Glu (NM_001040143.2, NM_001371246.1, NM_001371247.1 and 1 more transcripts); short protein forms A1137E.
Identifiers: ClinVar variation 841652 (VCV000841652.10), dbSNP rs1700657122, ClinGen allele CA349024370.

ClinVar aggregate classification (germline): Uncertain significance (1 of 4 stars; one submission).

Conditions:
Developmental and epileptic encephalopathy, 11 (DEE11). Also called: Early infantile epileptic encephalopathy 11. Identifiers: Orphanet 1934, MedGen C3150987, MONDO:0013388, OMIM 613721.
Seizures, benign familial infantile, 3 (BFIS3). Also called: Familial neonatal seizures; CONVULSIONS, BENIGN FAMILIAL INFANTILE, 3. Identifiers: Orphanet 140927, Orphanet 306, MedGen C1843140, MONDO:0011904, OMIM 607745.

Submission:

Labcorp Genetics (formerly Invitae), Labcorp
Classification: Uncertain significance for Seizures, benign familial infantile, 3; Developmental and epileptic encephalopathy, 11. Last evaluated: 2022-06-13. Review status: criteria provided, single submitter. Criteria: Invitae Variant Classification Sherloc (09022015). Collection method: clinical testing. Allele origin: germline.
Comment: This sequence change replaces alanine, which is neutral and non-polar, with glutamic acid, which is acidic and polar, at codon 1137 of the SCN2A protein (p.Ala1137Glu). This variant is not present in population databases (gnomAD no frequency). This variant has not been reported in the literature in individuals affected with SCN2A-related conditions. ClinVar contains an entry for this variant (Variation ID: 841652). Algorithms developed to predict the effect of missense changes on protein structure and function (SIFT, PolyPhen-2, Align-GVGD) all suggest that this variant is likely to be tolerated. In summary, the available evidence is currently insufficient to determine the role of this variant in disease. Therefore, it has been classified as a Variant of Uncertain Significance.